The following is an entry in ClinVar:

NM_014363.6(SACS):c.11261del (p.Asn3754fs)

Gene: SACS (sacsin molecular chaperone; minus strand). Cytogenetic location: 13q12.12.
Variant type: Deletion.
Coding change: c.11261del on transcript NM_014363.6 (MANE Select); coding-DNA position 11261, one base deleted (A; older notation c.11261delA).
Protein change: p.Asn3754fs; shifts the reading frame from asparagine 3754.
Molecular consequence: frameshift variant.
Genome position (GRCh38, 1-based): chr13:23,332,615, T deleted on the plus strand (A on the coding strand, the reverse complement: SACS is on the minus strand); the first of 3 consecutive T bases (chr13:23,332,615-23,332,617); deleting any one gives the same sequence. VCF-style (leftmost placement, unchanged base first): chr13-23332614-GT-G. GRCh37 (hg19) VCF-style: chr13-23906753-GT-G.
Other names: c.10820del, p.Asn3607fs (NM_001278055.2); short protein forms N3607fs, N3754fs.
Identifiers: ClinVar variation 1709415 (VCV001709415.2), dbSNP rs2542172909, ClinGen allele CA2580086828.

ClinVar aggregate classification (germline): Likely pathogenic (1 of 4 stars; one submission).

Conditions:
Charlevoix-Saguenay spastic ataxia (SACS). Also called: AUTOSOMAL RECESSIVE SPASTIC ATAXIA OF CHARLEVOIX-SAGUENAY; SPASTIC ATAXIA 6, AUTOSOMAL RECESSIVE; Spastic ataxia of Charlevoix-Saguenay. Identifiers: Orphanet 98, MedGen C1849140, MONDO:0010041, OMIM 270550.

Submission:

MGZ Medical Genetics Center
Classification: Likely pathogenic for Charlevoix-Saguenay spastic ataxia. Last evaluated: 2022-05-05. Review status: criteria provided, single submitter. Criteria: ACMG Guidelines, 2015. Collection method: clinical testing. Allele origin: germline. Affected: yes. Observed: 1 variant allele.
Comment: ACMG criteria applied: PVS1, PM2_SUP